The following is an entry in ClinVar:

ClinVar aggregate classification (germline): Benign/Likely benign. Review status: criteria provided, multiple submitters, no conflicts (2 of 4 stars). 8 submissions from 8 submitters: Benign (4); Likely benign (3). 1 of the submissions does not count toward it. Last evaluated 2026-01-26.

Conditions:
Hereditary cancer-predisposing syndrome. Also called: Hereditary neoplastic syndrome; Neoplastic Syndromes, Hereditary; Tumor predisposition; Hereditary Cancer Syndrome. Identifiers: Orphanet 140162, MedGen C0027672, MeSH D009386, MONDO:0015356.
TSC2-related disorder. Also called: TSC2-related condition; TSC2-Related Disorders.
Tuberous sclerosis syndrome (TSC). Also called: Tuberous Sclerosis Complex; Tuberous sclerosis. Identifiers: Orphanet 805, MedGen C0041341, MONDO:0001734.
Tuberous sclerosis 2 (TSC2). Identifiers: Orphanet 805, MedGen C1860707, MONDO:0013199, OMIM 613254.

Allele frequency attached by ClinVar (database versions not stated): gnomAD exomes 0.00001 and 0.00004; ExAC 0.00006; ESP Exome Variant Server 0.00008; 1000 Genomes Project 30x 0.00016; 1000 Genomes Project 0.00020; gnomAD 0.00021 and 0.00024; TOPMed 0.00024.
gnomAD v4.1: 53 of 1,612,764 alleles (0.0033%); highest among the groups gnomAD compares: African/African-American, 0.063%; no homozygotes.

Submissions (8):

Labcorp Genetics (formerly Invitae), Labcorp
Classification: Benign for Tuberous sclerosis 2. Last evaluated: 2026-01-26. Review status: criteria provided, single submitter. Criteria: Invitae Variant Classification Sherloc (09022015). Collection method: clinical testing. Allele origin: germline.

Myriad Genetics, Inc.
Classification: Benign for Tuberous sclerosis 2. Last evaluated: 2025-06-06. Review status: criteria provided, single submitter. Criteria: Myriad Autosomal Dominant, Autosomal Recessive and X-Linked Classification Criteria (2023). Collection method: clinical testing. Allele origin: unknown.
Comment: This variant is considered benign. This variant is a silent/synonymous amino acid change and it is not expected to impact splicing.

Color Diagnostics, LLC DBA Color Health
Classification: Likely benign for Tuberous sclerosis syndrome. Last evaluated: 2023-12-06. Review status: criteria provided, single submitter. Criteria: ACMG Guidelines, 2015. Collection method: clinical testing. Allele origin: germline.

Genome-Nilou Lab
Classification: Benign for Tuberous sclerosis 2. Last evaluated: 2021-11-07. Review status: criteria provided, single submitter. Criteria: ACMG Guidelines, 2015. Collection method: clinical testing. Allele origin: germline. Affected: no.

GeneDx
Classification: Likely benign. Last evaluated: 2021-02-16. Review status: criteria provided, single submitter. Criteria: GeneDx Variant Classification Process June 2021. Collection method: clinical testing. Allele origin: germline. Affected: yes.

Sema4
Classification: Benign for Hereditary cancer-predisposing syndrome. Last evaluated: 2021-02-09. Review status: criteria provided, single submitter. Criteria: Sema4 Curation Guidelines. Collection method: curation. Allele origin: germline.

Ambry Genetics
Classification: Likely benign for Hereditary cancer-predisposing syndrome. Last evaluated: 2016-06-24. Review status: criteria provided, single submitter. Criteria: Ambry Variant Classification Scheme 2023. Collection method: clinical testing. Allele origin: germline.

PreventionGenetics, part of Exact Sciences
Classification: Likely benign for TSC2-related condition. Last evaluated: 2023-07-19. Review status: no assertion criteria provided. Collection method: clinical testing. Allele origin: germline. Not counted in ClinVar's aggregate classification.
Comment: This variant is classified as likely benign based on ACMG/AMP sequence variant interpretation guidelines (Richards et al. 2015 PMID: 25741868, with internal and published modifications).

NM_000548.5(TSC2):c.5244G>A (p.Lys1748=)

Gene: TSC2 (TSC complex subunit 2; plus strand). Cytogenetic location: 16p13.3.
Variant type: single nucleotide variant.
Coding change: c.5244G>A on transcript NM_000548.5 (MANE Select); coding-DNA position 5244, G replaced by A.
Protein change: p.Lys1748=; no amino-acid change (lysine 1748 retained).
Molecular consequence: synonymous variant.
Genome position (GRCh38, 1-based): chr16:2,088,310, G>A. VCF-style: chr16-2088310-G-A. GRCh37 (hg19) VCF-style: chr16-2138311-G-A.
Other names: c.5043G>A, p.Lys1681= (NM_001077183.3); c.5175G>A, p.Lys1725= (NM_001114382.3); c.4935G>A, p.Lys1645= (NM_001318827.2); c.4899G>A, p.Lys1633= (NM_001318829.2); c.4512G>A, p.Lys1504= (NM_001318831.2); c.5076G>A, p.Lys1692= (NM_001318832.2); c.5046G>A, p.Lys1682= (NM_001363528.2); c.5112G>A, p.Lys1704= (NM_001370404.1); and 3 more.
Identifiers: ClinVar variation 468152 (VCV000468152.25), dbSNP rs150038278, ClinGen allele CA054548.